The following is an entry in ClinVar:

ClinVar aggregate classification (germline): Uncertain significance. Review status: criteria provided, multiple submitters, no conflicts (2 of 4 stars). 2 submissions from 2 submitters: Uncertain significance (2). Last evaluated 2024-10-30.

Conditions:
Anauxetic dysplasia. Identifiers: Orphanet 93347, MedGen C1846796, MONDO:0011773.

Allele frequency attached by ClinVar (database versions not stated): 1000 Genomes Project 0.00040; 1000 Genomes Project 30x 0.00062.
gnomAD v4.1: 21 of 700,470 alleles (0.003%); highest among the groups gnomAD compares: Admixed American, 0.006%; no homozygotes.

Submissions (2):

Labcorp Genetics (formerly Invitae), Labcorp
Classification: Uncertain significance for Anauxetic dysplasia. Last evaluated: 2024-10-30. Review status: criteria provided, single submitter. Criteria: Invitae Variant Classification Sherloc (09022015). Collection method: clinical testing. Allele origin: germline.
Comment: This variant occurs in the RMRP gene, which encodes an RNA molecule that does not result in a protein product. This variant is present in population databases (rs113967059, gnomAD 0.01%). This variant has not been reported in the literature in individuals affected with RMRP-related conditions. ClinVar contains an entry for this variant (Variation ID: 1445006). Experimental studies and prediction algorithms are not available or were not evaluated, and the functional significance of this variant is currently unknown. In summary, the available evidence is currently insufficient to determine the role of this variant in disease. Therefore, it has been classified as a Variant of Uncertain Significance.

Women's Health and Genetics/Laboratory Corporation of America, LabCorp
Classification: Uncertain significance. Last evaluated: 2023-12-08. Review status: criteria provided, single submitter. Criteria: LabCorp Variant Classification Summary - May 2015. Collection method: clinical testing. Allele origin: germline.
Comment: Variant summary: RMRP n.143G>A alters a non-conserved nucleotide in a non-coding RNA gene. The variant allele was found at a frequency of 3e-05 in 696820 control chromosomes (i.e. in 21 carriers) in the gnomAD database, v4.0 dataset. This frequency is not higher than the estimated maximum expected for a pathogenic variant in RMRP causing Cartilage-Hair Hypoplasia (0.0072), allowing no conclusion about variant significance. To our knowledge, no occurrence of n.143G>A in individuals affected with Cartilage-Hair Hypoplasia and no experimental evidence demonstrating its impact on RNA function have been reported. One submitter has cited clinical-significance assessments for this variant to ClinVar after 2014 and has classified the variant as uncertain significance. Based on the evidence outlined above, the variant was classified as uncertain significance.

NR_003051.4(RMRP):n.144G>A

Gene: RMRP (RNA component of mitochondrial RNA processing endoribonuclease; minus strand). Cytogenetic location: 9p13.3.
Variant type: single nucleotide variant.
Genome position: GRCh38 VCF-style: chr9-35657876-C-T. GRCh37 (hg19) VCF-style: chr9-35657873-C-T.
Identifiers: ClinVar variation 1445006 (VCV001445006.5), dbSNP rs113967059, ClinGen allele CA192745606.